The following is an entry in ClinVar:

NM_001375808.2(LPIN2):c.2279G>A (p.Arg760Gln)

Gene: LPIN2 (lipin 2; minus strand). Cytogenetic location: 18p11.31.
Variant type: single nucleotide variant.
Coding change: c.2279G>A on transcript NM_001375808.2 (MANE Select); coding-DNA position 2279, G replaced by A.
Protein change: p.Arg760Gln; replaces arginine 760 with glutamine.
Molecular consequence: missense variant.
Genome position (GRCh38, 1-based): chr18:2,922,095, C>T on the plus strand (G>A on the coding strand, the complement: LPIN2 is on the minus strand). VCF-style: chr18-2922095-C-T. GRCh37 (hg19) VCF-style: chr18-2922093-C-T.
Other names: c.2279G>A, p.Arg760Gln (NM_001375809.1, NM_014646.2); short protein forms R760Q.
Identifiers: ClinVar variation 843382 (VCV000843382.11), dbSNP rs2077063454, ClinGen allele CA401696861.
Genomic context (GRCh38, chr18:2,922,095, plus strand): 5'-CCGGAGAGGTACCTGTGGAAGGCGGAGAACAAGCTGCTGGGGGACAGCATCAGGGGGCCC[C>T]GGGGCAAGATTGTGCCCTTGTCATTGACCCAGTGCAGGTAGCCACGGGTCATGTCGGCCA-3'
Protein context (NP_001362737.1, residues 750-770): WVNDKGTILP[Arg760Gln]GPLMLSPSSL

ClinVar aggregate classification (germline): Uncertain significance. Review status: criteria provided, multiple submitters, no conflicts (2 of 4 stars). 2 submissions from 2 submitters: Uncertain significance (2). Last evaluated 2023-08-04.

Conditions:
Inborn genetic diseases. Identifiers: MedGen C0950123, MeSH D030342.
Majeed syndrome (MJDS). Also called: LPIN2-Related Majeed Syndrome; CHRONIC RECURRENT MULTIFOCAL OSTEOMYELITIS 1, WITH CONGENITAL DYSERYTHROPOIETIC ANEMIA, WITH OR WITHOUT NEUTROPHILIC DERMATOSIS. Identifiers: Orphanet 77297, MedGen C1864997, MONDO:0012316, OMIM 609628.

Allele frequency attached by ClinVar (database versions not stated): gnomAD exomes below 0.00001; TOPMed below 0.00001.
gnomAD v4.1: 6 of 1,613,882 alleles (0.00037%); highest among the groups gnomAD compares: East Asian, 0.0022%; no homozygotes.

Submissions (2):

Ambry Genetics
Classification: Uncertain significance for Inborn genetic diseases. Last evaluated: 2023-08-04. Review status: criteria provided, single submitter. Criteria: Ambry Variant Classification Scheme 2023. Collection method: clinical testing. Allele origin: germline.

Labcorp Genetics (formerly Invitae), Labcorp
Classification: Uncertain significance for Majeed syndrome. Last evaluated: 2022-03-19. Review status: criteria provided, single submitter. Criteria: Invitae Variant Classification Sherloc (09022015). Collection method: clinical testing. Allele origin: germline.
Comment: This sequence change replaces arginine, which is basic and polar, with glutamine, which is neutral and polar, at codon 760 of the LPIN2 protein (p.Arg760Gln). This variant is not present in population databases (gnomAD no frequency). This variant has not been reported in the literature in individuals affected with LPIN2-related conditions. ClinVar contains an entry for this variant (Variation ID: 843382). Algorithms developed to predict the effect of missense changes on protein structure and function (SIFT, PolyPhen-2, Align-GVGD) all suggest that this variant is likely to be tolerated. Algorithms developed to predict the effect of sequence changes on RNA splicing suggest that this variant may create or strengthen a splice site. In summary, the available evidence is currently insufficient to determine the role of this variant in disease. Therefore, it has been classified as a Variant of Uncertain Significance.